The following is an entry in ClinVar:

ClinVar aggregate classification (germline): Likely benign. Review status: criteria provided, multiple submitters, no conflicts (2 of 4 stars). 3 submissions from 3 submitters: Likely benign (2). 1 of the submissions does not count toward it. Last evaluated 2020-01-06.

Allele frequency attached by ClinVar (database versions not stated): TOPMed 0.01785; gnomAD 0.02253 and 0.02169; 1000 Genomes Project 30x 0.00921; 1000 Genomes Project 0.00998; gnomAD exomes 0.02801.
gnomAD v4.1: 24,160 of 903,466 alleles (2.7%); highest among the groups gnomAD compares: Non-Finnish European, 3.3%; 416 homozygotes.

Submissions (3):

GeneDx
Classification: Likely benign. Last evaluated: 2020-01-06. Review status: criteria provided, single submitter. Criteria: GeneDx Variant Classification Process June 2021. Collection method: clinical testing. Allele origin: germline. Affected: yes.

Breakthrough Genomics
Classification: Likely benign. Review status: criteria provided, single submitter. Criteria: ACMG Guidelines, 2015. Collection method: not provided. Allele origin: germline. Inheritance: Autosomal recessive inheritance. Affected: yes.

ZMPSTE24 homepage - Leiden Muscular Dystrophy pages
No classification provided. Review status: no classification provided. Collection method: not provided. Allele origin: germline. Not counted in ClinVar's aggregate classification.
Comment: no known functional consequence

NM_005857.5(ZMPSTE24):c.474+83A>C

Gene: ZMPSTE24 (zinc metallopeptidase STE24; plus strand). Cytogenetic location: 1p34.2.
Variant type: single nucleotide variant.
Coding change: c.474+83A>C on transcript NM_005857.5 (MANE Select); 83 bases into the intron after coding-DNA position 474, A replaced by C.
Molecular consequence: intron variant.
Genome position (GRCh38, 1-based): chr1:40,268,618, A>C. VCF-style: chr1-40268618-A-C. GRCh37 (hg19) VCF-style: chr1-40734290-A-C.
Other names: c.474+83A>C (LRG_212t1).
Identifiers: ClinVar variation 140527 (VCV000140527.4), dbSNP rs75470795, ClinGen allele CA232749.